The following is an entry in ClinVar:

NM_001270508.2(TNFAIP3):c.950G>A (p.Trp317Ter)

Gene: TNFAIP3 (TNF alpha induced protein 3; plus strand). Cytogenetic location: 6q23.3.
Variant type: single nucleotide variant.
Coding change: c.950G>A on transcript NM_001270508.2 (MANE Select); coding-DNA position 950, G replaced by A.
Protein change: p.Trp317Ter; replaces tryptophan 317 with a stop codon.
Molecular consequence: nonsense.
Genome position (GRCh38, 1-based): chr6:137,877,220, G>A. VCF-style: chr6-137877220-G-A. GRCh37 (hg19) VCF-style: chr6-138198357-G-A.
Other names: c.950G>A (NM_006290.3); c.950G>A, p.Trp317Ter (NM_001270507.2, NM_006290.4); short protein forms W317*.
Identifiers: ClinVar variation 2066370 (VCV002066370.5), dbSNP rs2114490906, ClinGen allele CA365787642.

ClinVar aggregate classification (germline): Pathogenic/Likely pathogenic. Review status: criteria provided, multiple submitters, no conflicts (2 of 4 stars). 2 submissions from 2 submitters: Pathogenic (1); Likely pathogenic (1). Last evaluated 2022-01-08.

Conditions:
Autoinflammatory syndrome, familial, Behcet-like. Identifiers: MedGen CN234876, MONDO:0031384.

Submissions (2):

Labcorp Genetics (formerly Invitae), Labcorp
Classification: Pathogenic. Last evaluated: 2022-01-08. Review status: criteria provided, single submitter. Criteria: Invitae Variant Classification Sherloc (09022015). Collection method: clinical testing. Allele origin: germline.
Comment: For these reasons, this variant has been classified as Pathogenic. This variant has not been reported in the literature in individuals affected with TNFAIP3-related conditions. This variant is not present in population databases (gnomAD no frequency). This sequence change creates a premature translational stop signal (p.Trp317*) in the TNFAIP3 gene. It is expected to result in an absent or disrupted protein product. Loss-of-function variants in TNFAIP3 are known to be pathogenic (PMID: 26642243).

Rady Children's Institute for Genomic Medicine, Rady Children's Hospital San Diego
Classification: Likely pathogenic for AUTOINFLAMMATORY SYNDROME, FAMILIAL, BEHCET-LIKE. Review status: criteria provided, single submitter. Criteria: ACMG Guidelines, 2015. Collection method: clinical testing. Allele origin: germline. Affected: yes.
Comment: This nonsense variant found in exon 6 of 9 is predicted to result in loss of normal protein function through either protein truncation or nonsense-mediated mRNA decay (NMD). This variant has not been previously reported or functionally characterized in the literature to our knowledge. Loss-of-function variation in TNFAIP3 is an established mechanism of disease (PMID: 26642243, 33679772). The c.950G>A (p.Trp317Ter) variant is absent from the gnomAD population database and thus is presumed to be rare. Based on the available evidence, the c.950G>A (p.Trp317Ter) variant is classified as Likely Pathogenic.

Literature cited by the submitters: PubMed 26642243 (cited by Labcorp Genetics (formerly Invitae), Labcorp).